The following is an entry in ClinVar:

ClinVar aggregate classification (germline): Uncertain significance (1 of 4 stars; one submission).

Conditions:
Inborn genetic diseases. Identifiers: MedGen C0950123, MeSH D030342.

Submission:

Ambry Genetics
Classification: Uncertain significance for Inborn genetic diseases. Last evaluated: 2025-01-04. Review status: criteria provided, single submitter. Criteria: Ambry Variant Classification Scheme 2023. Collection method: clinical testing. Allele origin: germline.
Comment: The p.P91A variant (also known as c.271C>G), located in coding exon 1 of the KDM1A gene, results from a C to G substitution at nucleotide position 271. The proline at codon 91 is replaced by alanine, an amino acid with highly similar properties. This amino acid position is conserved. In addition, this alteration is predicted to be tolerated by in silico analysis. Based on the available evidence, the clinical significance of this variant remains unclear.

NM_001009999.3(KDM1A):c.271C>G (p.Pro91Ala)

Gene: KDM1A (lysine demethylase 1A; plus strand). Cytogenetic location: 1p36.12.
Variant type: single nucleotide variant.
Coding change: c.271C>G on transcript NM_001009999.3 (MANE Select); coding-DNA position 271, C replaced by G.
Protein change: p.Pro91Ala; replaces proline 91 with alanine.
Molecular consequence: missense variant.
Genome position (GRCh38, 1-based): chr1:23,019,867, C>G. VCF-style: chr1-23019867-C-G. GRCh37 (hg19) VCF-style: chr1-23346360-C-G.
Other names: c.271C>G, p.Pro91Ala (NM_001363654.2, NM_001410762.1, NM_001410763.1 and 1 more transcripts); short protein forms P91A.
Identifiers: ClinVar variation 3863245 (VCV003863245.1).